The following is an entry in ClinVar:

ClinVar aggregate classification (germline): Conflicting classifications of pathogenicity. Review status: criteria provided, conflicting classifications (1 of 4 stars). 2 submissions from 2 submitters: Uncertain significance (1); Likely benign (1). Last evaluated 2018-01-12.

Conditions:
ALG6-congenital disorder of glycosylation 1C (CDG1C). Also called: CDG Ic; CARBOHYDRATE-DEFICIENT GLYCOPROTEIN SYNDROME, TYPE I, WITH DEFICIENT GLYCOSYLATION OF DOLICHOL-LINKED OLIGOSACCHARIDE; CARBOHYDRATE-DEFICIENT GLYCOPROTEIN SYNDROME, TYPE V; Congenital disorder of glycosylation type 1C; Congenital disorder of glycosylation, type Ic. Identifiers: Orphanet 79320, MedGen C2930997, MONDO:0011291, OMIM 603147.

Allele frequency attached by ClinVar (database versions not stated): TOPMed 0.00030; 1000 Genomes Project 30x 0.00047.

Submissions (2):

Illumina Laboratory Services, Illumina
Classification: Uncertain significance for ALG6-congenital disorder of glycosylation 1C. Last evaluated: 2018-01-12. Review status: criteria provided, single submitter. Criteria: ICSL Variant Classification Criteria 13 December 2019. Collection method: clinical testing. Allele origin: germline.

GeneDx
Classification: Likely benign. Last evaluated: 2016-04-26. Review status: criteria provided, single submitter. Criteria: GeneDx Variant Classification (06012015). Collection method: clinical testing. Allele origin: germline. Affected: yes.
Comment: This variant is considered likely benign or benign based on one or more of the following criteria: it is a conservative change, it occurs at a poorly conserved position in the protein, it is predicted to be benign by multiple in silico algorithms, and/or has population frequency not consistent with disease.

NM_013339.4(ALG6):c.-221C>G

Genes: ALG6 (ALG6 alpha-1,3-glucosyltransferase; plus strand), LOC129930665 (ATAC-STARR-seq lymphoblastoid silent region 950; plus strand). Cytogenetic location: 1p31.3.
Variant type: single nucleotide variant.
Coding change: c.-221C>G on transcript NM_013339.4 (MANE Select); 221 bases upstream of the start codon, C replaced by G.
Molecular consequence: 5 prime UTR variant.
Genome position (GRCh38, 1-based): chr1:63,367,674, C>G. VCF-style: chr1-63367674-C-G. GRCh37 (hg19) VCF-style: chr1-63833345-C-G.
Other names: c.-221C>G (LRG_1260t1).
Identifiers: ClinVar variation 297841 (VCV000297841.5), dbSNP rs886046470, ClinGen allele CA10611507.
Genomic context (GRCh38, chr1:63,367,674, plus strand): 5'-CGCGGGGGCGAGCGCGCATGCGCCTTCCTGGGACCCACGGCAGGCGCGAATCCCAGCGGC[C>G]GGCGGGCGGCGGGGTAAGAGCATGGGATCCCGGAGGTTCCGGACCCCAGGCCAGTGTGGG-3'